The following is an entry in ClinVar:

NC_000008.10:g.(?_134296472)_(134296554_?)del

Gene: NDRG1 (N-myc downstream regulated 1; minus strand). Cytogenetic location: 8q24.22.
Variant type: Deletion.
Identifiers: ClinVar variation 3245542 (VCV003245542.1).

ClinVar aggregate classification (germline): Pathogenic (1 of 4 stars; one submission).

Conditions:
Charcot-Marie-Tooth disease type 4. Also called: Charcot-Marie-Tooth, Type 4; Charcot-Marie-Tooth disease, type IV. Identifiers: Orphanet 64749, MedGen C4082197, MONDO:0018995.

Submission:

Labcorp Genetics (formerly Invitae), Labcorp
Classification: Pathogenic for Charcot-Marie-Tooth disease type 4. Last evaluated: 2023-09-29. Review status: criteria provided, single submitter. Criteria: Invitae Variant Classification Sherloc (09022015). Collection method: clinical testing. Allele origin: unknown.
Comment: This variant is a gross deletion of the genomic region encompassing exon(s) 2 of the NDRG1 gene, which includes the initiator codon. This deletion extends beyond the assayed region for this gene and therefore may encompass additional genes. It is expected to result in an absent or disrupted protein product. Loss-of-function variants in NDRG1 are known to be pathogenic (PMID: 12872253, 23996628). This variant has not been reported in the literature in individuals affected with NDRG1-related conditions. For these reasons, this variant has been classified as Pathogenic.

Literature cited by the submitters: PubMed 12872253; PubMed 23996628.